The following is an entry in ClinVar:

NM_001271.4(CHD2):c.2130T>A (p.Pro710=)

Gene: CHD2 (chromodomain helicase DNA binding protein 2; plus strand). Cytogenetic location: 15q26.1.
Variant type: single nucleotide variant.
Coding change: c.2130T>A on transcript NM_001271.4 (MANE Select); coding-DNA position 2130, T replaced by A.
Protein change: p.Pro710=; no amino-acid change (proline 710 retained).
Molecular consequence: synonymous variant.
Genome position (GRCh38, 1-based): chr15:92,967,454, T>A. VCF-style: chr15-92967454-T-A. GRCh37 (hg19) VCF-style: chr15-93510684-T-A.
Identifiers: ClinVar variation 509335 (VCV000509335.1), dbSNP rs1555441905, ClinGen allele CA492499343.

ClinVar aggregate classification (germline): Likely benign (1 of 4 stars; one submission).

Submission:

GeneDx
Classification: Likely benign. Last evaluated: 2017-05-03. Review status: criteria provided, single submitter. Criteria: GeneDx Variant Classification (06012015). Collection method: clinical testing. Allele origin: germline. Affected: yes.
Comment: This variant is considered likely benign or benign based on one or more of the following criteria: it is a conservative change, it occurs at a poorly conserved position in the protein, it is predicted to be benign by multiple in silico algorithms, and/or has population frequency not consistent with disease.